The following is an entry in ClinVar:

NM_004836.7(EIF2AK3):c.223G>A (p.Ala75Thr)

Gene: EIF2AK3 (eukaryotic translation initiation factor 2 alpha kinase 3; minus strand). Cytogenetic location: 2p11.2.
Variant type: single nucleotide variant.
Coding change: c.223G>A on transcript NM_004836.7 (MANE Select); coding-DNA position 223, G replaced by A.
Protein change: p.Ala75Thr; replaces alanine 75 with threonine.
Molecular consequence: missense variant.
Genome position (GRCh38, 1-based): chr2:88,627,052, C>T on the plus strand (G>A on the coding strand, the complement: EIF2AK3 is on the minus strand). VCF-style: chr2-88627052-C-T. GRCh37 (hg19) VCF-style: chr2-88926570-C-T.
Other names: c.223G>A (NM_004836.5); short protein forms A75T.
Identifiers: ClinVar variation 1366103 (VCV001366103.7), dbSNP rs1036035211, ClinGen allele CA51963723.

ClinVar aggregate classification (germline): Uncertain significance. Review status: criteria provided, multiple submitters, no conflicts (2 of 4 stars). 2 submissions from 2 submitters: Uncertain significance (2). Last evaluated 2024-10-20.

Conditions:
Inborn genetic diseases. Identifiers: MedGen C0950123, MeSH D030342.

Allele frequency attached by ClinVar (database versions not stated): gnomAD exomes below 0.00001; gnomAD 0.00003; TOPMed 0.00003.
gnomAD v4.1: 5 of 1,595,758 alleles (0.00031%); highest among the groups gnomAD compares: African/African-American, 0.0054%; no homozygotes.

Submissions (2):

Ambry Genetics
Classification: Uncertain significance for Inborn genetic diseases. Last evaluated: 2024-10-20. Review status: criteria provided, single submitter. Criteria: Ambry Variant Classification Scheme 2023. Collection method: clinical testing. Allele origin: germline.

Labcorp Genetics (formerly Invitae), Labcorp
Classification: Uncertain significance. Last evaluated: 2022-07-25. Review status: criteria provided, single submitter. Criteria: Invitae Variant Classification Sherloc (09022015). Collection method: clinical testing. Allele origin: germline.
Comment: In summary, the available evidence is currently insufficient to determine the role of this variant in disease. Therefore, it has been classified as a Variant of Uncertain Significance. Algorithms developed to predict the effect of missense changes on protein structure and function are either unavailable or do not agree on the potential impact of this missense change (SIFT: "Tolerated"; PolyPhen-2: "Not Available"; Align-GVGD: "Class C0"). ClinVar contains an entry for this variant (Variation ID: 1366103). This variant has not been reported in the literature in individuals affected with EIF2AK3-related conditions. The frequency data for this variant in the population databases is considered unreliable, as metrics indicate poor data quality at this position in the gnomAD database. This sequence change replaces alanine, which is neutral and non-polar, with threonine, which is neutral and polar, at codon 75 of the EIF2AK3 protein (p.Ala75Thr).